The following is an entry in ClinVar:

ClinVar aggregate classification (germline): Likely pathogenic. Review status: criteria provided, single submitter (1 of 4 stars). 2 submissions from 2 submitters: Likely pathogenic (1). 1 of the submissions does not count toward it. Last evaluated 2024-06-12.

Conditions:
UMOD-related disorder. Also called: UMOD-related condition.
Familial juvenile hyperuricemic nephropathy type 1 (ADTKD1). Also called: UMOD-Associated Kidney Disease; Uromodulin-associated kidney disease; Glomerulocystic kidney disease with hyperuricemia and isosthenuria; Medullary cystic kidney disease 2; Autosomal Dominant Tubulointerstitial Kidney Disease – UMOD. Identifiers: Orphanet 209886, Orphanet 34149, Orphanet 88950, MedGen C4551496, MONDO:0008073, OMIM 162000.

gnomAD v4.1: 1 of 1,606,824 alleles (0.000062%); highest among the groups gnomAD compares: Middle Eastern, 0.017%; no homozygotes.

Submissions (2):

Fulgent Genetics
Classification: Likely pathogenic for Familial juvenile hyperuricemic nephropathy type 1. Last evaluated: 2024-06-12. Review status: criteria provided, single submitter. Criteria: ACMG Guidelines, 2015. Collection method: clinical testing. Allele origin: germline.

PreventionGenetics, part of Exact Sciences
Classification: Likely pathogenic for UMOD-related condition. Last evaluated: 2024-09-09. Review status: no assertion criteria provided. Collection method: clinical testing. Allele origin: germline. Not counted in ClinVar's aggregate classification.
Comment: The UMOD c.248G>A variant is predicted to result in the amino acid substitution p.Cys83Tyr. To our knowledge, this variant has not been reported in the literature or in a large population database, indicating this variant is rare. At PreventionGenetics, this variant was demonstrated to segregate with disease in two unrelated families undergoing UMOD-related renal disease testing (Internal Data). Of note, different substitutions at the same codon were reported in individuals with UMOD-related phenotypes (p.Cys83Ser, p.Cys83Arg and p.Cys83Trp in Supplementary Table S1, Kidd et al. 2020. PubMed ID: 32954071; p.Cys83Trp in Carucci et al. 2018. PubMed ID: 29424336). Taken together, we interpret the c.248G>A (p.Cys83Tyr) variant as likely pathogenic.

NM_003361.4(UMOD):c.248G>A (p.Cys83Tyr)

Gene: UMOD (uromodulin; minus strand). Cytogenetic location: 16p12.3.
Variant type: single nucleotide variant.
Coding change: c.248G>A on transcript NM_003361.4 (MANE Select); coding-DNA position 248, G replaced by A.
Protein change: p.Cys83Tyr; replaces cysteine 83 with tyrosine.
Molecular consequence: missense variant. On other transcripts: non-coding transcript variant (1).
Genome position (GRCh38, 1-based): chr16:20,349,053, C>T on the plus strand (G>A on the coding strand, the complement: UMOD is on the minus strand). VCF-style: chr16-20349053-C-T. GRCh37 (hg19) VCF-style: chr16-20360375-C-T.
Other names: c.248G>A, p.Cys83Tyr (NM_001008389.3, NM_001378232.1, NM_001378233.1 and 3 more transcripts); c.347G>A, p.Cys116Tyr (NM_001278614.2); short protein forms C116Y, C83Y.
Identifiers: ClinVar variation 3356799 (VCV003356799.2).